The following is an entry in ClinVar:

NM_021076.4(NEFH):c.2527G>A (p.Glu843Lys)

Gene: NEFH (neurofilament heavy chain; plus strand). Cytogenetic location: 22q12.2.
Variant type: single nucleotide variant.
Coding change: c.2527G>A on transcript NM_021076.4 (MANE Select); coding-DNA position 2527, G replaced by A.
Protein change: p.Glu843Lys; replaces glutamic acid 843 with lysine.
Molecular consequence: missense variant.
Genome position (GRCh38, 1-based): chr22:29,490,167, G>A. VCF-style: chr22-29490167-G-A. GRCh37 (hg19) VCF-style: chr22-29886156-G-A.
Other names: short protein forms E843K.
Identifiers: ClinVar variation 1714501 (VCV001714501.5), dbSNP rs2517979164, ClinGen allele CA411137966.

ClinVar aggregate classification (germline): Uncertain significance (1 of 4 stars; one submission).

Allele frequency attached by ClinVar (database versions not stated): gnomAD exomes below 0.00001.

Submission:

Labcorp Genetics (formerly Invitae), Labcorp
Classification: Uncertain significance. Last evaluated: 2022-07-30. Review status: criteria provided, single submitter. Criteria: Invitae Variant Classification Sherloc (09022015). Collection method: clinical testing. Allele origin: germline.
Comment: In summary, the available evidence is currently insufficient to determine the role of this variant in disease. Therefore, it has been classified as a Variant of Uncertain Significance. Advanced modeling of protein sequence and biophysical properties (such as structural, functional, and spatial information, amino acid conservation, physicochemical variation, residue mobility, and thermodynamic stability) performed at Invitae indicates that this missense variant is not expected to disrupt NEFH protein function. This variant has not been reported in the literature in individuals affected with NEFH-related conditions. This variant is not present in population databases (gnomAD no frequency). This sequence change replaces glutamic acid, which is acidic and polar, with lysine, which is basic and polar, at codon 843 of the NEFH protein (p.Glu843Lys).